The following is an entry in ClinVar:

NM_001166114.2(PNPLA6):c.1647C>T (p.His549=)

Gene: PNPLA6 (patatin like domain 6, lysophospholipase; plus strand). Cytogenetic location: 19p13.2.
Variant type: single nucleotide variant.
Coding change: c.1647C>T on transcript NM_001166114.2 (MANE Select); coding-DNA position 1647, C replaced by T.
Protein change: p.His549=; no amino-acid change (histidine 549 retained).
Molecular consequence: synonymous variant.
Genome position (GRCh38, 1-based): chr19:7,549,945, C>T. VCF-style: chr19-7549945-C-T. GRCh37 (hg19) VCF-style: chr19-7614831-C-T.
Other names: p.His510=; c.1674C>T, p.His558= (NM_001166111.2); c.1452C>T, p.His484= (NM_001166112.2); c.1530C>T, p.His510= (NM_001166113.1, NM_006702.5).
Identifiers: ClinVar variation 1139608 (VCV001139608.11), dbSNP rs1203825341, ClinGen allele CA505241679.

ClinVar aggregate classification (germline): Likely benign. Review status: criteria provided, multiple submitters, no conflicts (2 of 4 stars). 3 submissions from 3 submitters: Likely benign (3). Last evaluated 2026-01-19.

Conditions:
Hereditary spastic paraplegia 39 (SPG39). Also called: Spastic Paraplegia Type 39 (SPG39); SPASTIC PARAPLEGIA 39, AUTOSOMAL RECESSIVE. Identifiers: Orphanet 139480, MedGen C2677586, MONDO:0012787, OMIM 612020.

Allele frequency attached by ClinVar (database versions not stated): TOPMed below 0.00001; gnomAD 0.00001 and 0.00002; gnomAD exomes 0.00001.

Submissions (3):

Labcorp Genetics (formerly Invitae), Labcorp
Classification: Likely benign for Hereditary spastic paraplegia 39. Last evaluated: 2026-01-19. Review status: criteria provided, single submitter. Criteria: Invitae Variant Classification Sherloc (09022015). Collection method: clinical testing. Allele origin: germline.

Mayo Clinic Laboratories, Mayo Clinic
Classification: Likely benign. Last evaluated: 2025-09-10. Review status: criteria provided, single submitter. Criteria: ACMG Guidelines, 2015. Collection method: clinical testing. Allele origin: germline. Observed: 1 variant allele.
Comment: BP4, BP7

Blueprint Genetics
Classification: Likely benign. Last evaluated: 2022-09-21. Review status: criteria provided, single submitter. Criteria: ACMG Guidelines, 2015. Collection method: clinical testing. Allele origin: germline.